The following is an entry in ClinVar:

NM_001386298.1(CIC):c.372G>T (p.Glu124Asp)

Gene: CIC (capicua transcriptional repressor; plus strand). Cytogenetic location: 19q13.2.
Variant type: single nucleotide variant.
Coding change: c.372G>T on transcript NM_001386298.1 (MANE Select); coding-DNA position 372, G replaced by T.
Protein change: p.Glu124Asp; replaces glutamic acid 124 with aspartic acid.
Molecular consequence: missense variant. On other transcripts: genic upstream transcript variant (1).
Genome position (GRCh38, 1-based): chr19:42,272,155, G>T. VCF-style: chr19-42272155-G-T. GRCh37 (hg19) VCF-style: chr19-42776307-G-T.
Other names: c.372G>T, p.Glu124Asp (NM_001304815.2, NM_001379480.1, NM_001379482.1 and 6 more transcripts); c.-12550G>T (NM_015125.5); short protein forms E124D.
Identifiers: ClinVar variation 4536751 (VCV004536751.1).

ClinVar aggregate classification (germline): Uncertain significance (1 of 4 stars; one submission).

gnomAD v4.1: 1 of 399,090 alleles (0.00025%); highest among the groups gnomAD compares: Non-Finnish European, 0.00044%; no homozygotes.

Submission:

Women's Health and Genetics/Laboratory Corporation of America, LabCorp
Classification: Uncertain significance. Last evaluated: 2025-11-13. Review status: criteria provided, single submitter. Criteria: LabCorp Variant Classification Summary - May 2015. Collection method: clinical testing. Allele origin: germline.
Comment: Variant summary: CIC NM_001304815.2 c.372G>T (p.Glu124Asp) results in a conservative amino acid change in the encoded protein sequence. Algorithms developed to predict the effect of missense changes on protein structure and function are either unavailable or do not agree on the potential impact of this missense change. This variant is also annotated as CIC NM_015125.5 c.-12550G>T and located in the untranscribed region upstream of the CIC gene region. The frequency data for this variant in gnomAD is considered unreliable, as metrics indicate poor data quality at this position. To our knowledge, no occurrence of c.-12550G>T in individuals affected with CIC-related conditions and no experimental evidence demonstrating its impact on protein function have been reported. No submitters have cited clinical-significance assessments for this variant to ClinVar. Based on the evidence outlined above, the variant was classified as uncertain significance.